The following is an entry in ClinVar:

ClinVar aggregate classification (germline): Likely benign. Review status: criteria provided, single submitter (1 of 4 stars). 2 submissions from 2 submitters: Likely benign (1). 1 of the submissions does not count toward it. Last evaluated 2021-11-05.

Conditions:
GPSM2-related disorder. Also called: GPSM2-related condition; GPSM2-related disorders.

Allele frequency attached by ClinVar (database versions not stated): ESP Exome Variant Server 0.00008; TOPMed 0.00008; gnomAD 0.00009 and 0.00010; gnomAD exomes 0.00014 and 0.00027; ExAC 0.00022.
gnomAD v4.1: 222 of 1,609,712 alleles (0.014%); highest among the groups gnomAD compares: South Asian, 0.19%; 2 homozygotes.

Submissions (2):

Labcorp Genetics (formerly Invitae), Labcorp
Classification: Likely benign. Last evaluated: 2021-11-05. Review status: criteria provided, single submitter. Criteria: Invitae Variant Classification Sherloc (09022015). Collection method: clinical testing. Allele origin: germline.

PreventionGenetics, part of Exact Sciences
Classification: Likely benign for GPSM2-related condition. Last evaluated: 2020-02-19. Review status: no assertion criteria provided. Collection method: clinical testing. Allele origin: germline. Not counted in ClinVar's aggregate classification.
Comment: This variant is classified as likely benign based on ACMG/AMP sequence variant interpretation guidelines (Richards et al. 2015 PMID: 25741868, with internal and published modifications).

NM_013296.5(GPSM2):c.805C>T (p.Leu269=)

Gene: GPSM2 (G protein signaling modulator 2; plus strand). Cytogenetic location: 1p13.3.
Variant type: single nucleotide variant.
Coding change: c.805C>T on transcript NM_013296.5 (MANE Select); coding-DNA position 805, C replaced by T.
Protein change: p.Leu269=; no amino-acid change (leucine 269 retained).
Molecular consequence: synonymous variant.
Genome position (GRCh38, 1-based): chr1:108,901,797, C>T. VCF-style: chr1-108901797-C-T. GRCh37 (hg19) VCF-style: chr1-109444419-C-T.
Other names: c.805C>T, p.Leu269= (NM_001321038.2, NM_001321039.3).
Identifiers: ClinVar variation 741662 (VCV000741662.10), dbSNP rs141200340, ClinGen allele CA982889.